The following continues an entry in ClinVar:

NM_000260.4(MYO7A):c.5648G>A (p.Arg1883Gln)

Gene: MYO7A. ClinVar aggregate classification (germline): Pathogenic/Likely pathogenic. Pathogenic (11); Likely pathogenic (2).

Submissions 13 to 15 of 15:

Neuberg Centre For Genomic Medicine, NCGM
Classification: Pathogenic for Usher syndrome type 1. Review status: criteria provided, single submitter. Criteria: ACMG Guidelines, 2015. Collection method: clinical testing. Allele origin: germline. Inheritance: Autosomal recessive inheritance. Affected: yes.
Comment: The observed missense c.5648G>A(p.Arg1883Gln) variant in MYO7A gene has been reported previously in compound heterozygous state in multiple individuals affected with Usher syndrome (Le Quesne Stabej P, et al., 2012; Jacobson SG, et al., 2011; Bonnet C, et al., 2011; Ouyang XM, et al., 2005). The p.Arg1883Gln variant has been reported with allele frequency of 0.003% in gnomAD Exomes. This variant has been reported to the ClinVar database as Likely Pathogenic / Pathogenic (multiple submissions). Multiple lines of computational evidences (Polyphen - Probably damaging, SIFT - Damaging and MutationTaster - Disease causing) predict a damaging effect on protein structure and function for this variant. The reference amino acid change at this position on MYO7A gene is predicted as conserved by GERP++ and PhyloP across 100 vertebrates. The amino acid Arg at position 1883 is changed to a Gln changing protein sequence and it might alter its composition and physico-chemical properties. For these reasons, this variant has been classified as Pathogenic.

Refractive Surgery Department, Bright Eye Hospital
Classification: Likely pathogenic for Usher syndrome type 1. Last evaluated: 2022-05-13. Review status: no assertion criteria provided. Collection method: clinical testing. Allele origin: inherited. Inheritance: Autosomal dominant inheritance. Affected: yes. Observed: 6 variant alleles, 4 heterozygotes, 2 compound heterozygotes. Not counted in ClinVar's aggregate classification.
Comment: WES identified two novel compound heterozygous mutations (c.5648G>A(rs111033215) and c.6238-1G>C) in MYO7A in two patients with Usher syndrome type 1. We found that the mutation c.5648G>A was predicted as “Probably Damaging” by the PolyPhen2 analysis. It was also evaluated as “Deleterious” and “Disease Causing” by other prediction programs (SIFT, PROVEIN, MutationTaster). Thus, the mutation of c.5648G>A was potentially pathogenic.

Counsyl
Classification: Likely pathogenic for Autosomal recessive nonsyndromic hearing loss 2. Last evaluated: 2018-01-16. Review status: no assertion criteria provided. Collection method: clinical testing. Allele origin: unknown. Not counted in ClinVar's aggregate classification.

Literature cited by the submitters: PubMed 20844544 (cited by 4 submitters); PubMed 21569298 (cited by 4 submitters); PubMed 21873662 (cited by 3 submitters); PubMed 22135276 (cited by 5 submitters); PubMed 30459346 (cited by Natera, Inc. and Women's Health and Genetics/Laboratory Corporation of America, LabCorp); PubMed 36484953 (cited by 3 submitters); PubMed 39640791 (cited by Foundation for Research in Genetics and Endocrinology, FRIGE's Institute of Human Genetics); PubMed 15660226 (cited by 3 submitters); PubMed 27460420 (cited by Women's Health and Genetics/Laboratory Corporation of America, LabCorp and Counsyl); PubMed 31266775 (cited by Institute of Human Genetics, Univ. Regensburg, Univ. Regensburg); PubMed 31964843 (cited by Institute of Human Genetics, Univ. Regensburg, Univ. Regensburg); PubMed 33576163 (cited by Institute of Human Genetics, Univ. Regensburg, Univ. Regensburg); PubMed 16963483 (cited by Laboratory for Molecular Medicine, Mass General Brigham Personalized Medicine).